The following is an entry in ClinVar:

NM_014915.3(ANKRD26):c.1869del (p.Thr624fs)

Gene: ANKRD26 (ankyrin repeat domain 26; minus strand). Cytogenetic location: 10p12.1.
Variant type: Deletion.
Coding change: c.1869del on transcript NM_014915.3 (MANE Select); coding-DNA position 1869, one base deleted (G; older notation c.1869delG).
Protein change: p.Thr624fs; shifts the reading frame from threonine 624.
Molecular consequence: frameshift variant.
Genome position (GRCh38, 1-based): chr10:27,046,469, C deleted on the plus strand (G on the coding strand, the reverse complement: ANKRD26 is on the minus strand); the first of 2 consecutive C bases (chr10:27,046,469-27,046,470); deleting either gives the same sequence. VCF-style (leftmost placement, unchanged base first): chr10-27046468-TC-T. GRCh37 (hg19) VCF-style: chr10-27335397-TC-T.
Other names: c.1866del, p.Thr623fs (NM_001256053.2); short protein forms T624fs, T623fs.
Identifiers: ClinVar variation 846750 (VCV000846750.9), dbSNP rs753411480, ClinGen allele CA5448380.

ClinVar aggregate classification (germline): Uncertain significance (1 of 4 stars; one submission).

Submission:

Labcorp Genetics (formerly Invitae), Labcorp
Classification: Uncertain significance. Last evaluated: 2025-09-23. Review status: criteria provided, single submitter. Criteria: Invitae Variant Classification Sherloc (09022015). Collection method: clinical testing. Allele origin: germline.
Comment: This sequence change creates a premature translational stop signal (p.Thr624Profs*6) in the ANKRD26 gene. It is expected to result in an absent or disrupted protein product. However, the current clinical and genetic evidence is not sufficient to establish whether loss-of-function variants in ANKRD26 cause disease. This variant is present in population databases (rs753411480, gnomAD 0.0009%). This variant has not been reported in the literature in individuals affected with ANKRD26-related conditions. This premature translational stop signal has been observed in at least one individual who was not affected with ANKRD26-related conditions (internal data). ClinVar contains an entry for this variant (Variation ID: 846750). In summary, the available evidence is currently insufficient to determine the role of this variant in disease. Therefore, it has been classified as a Variant of Uncertain Significance.